The following is an entry in ClinVar:

ClinVar aggregate classification (germline): Uncertain significance. Review status: criteria provided, multiple submitters, no conflicts (2 of 4 stars). 3 submissions from 3 submitters: Uncertain significance (3). Last evaluated 2024-09-23.

Conditions:
Leber congenital amaurosis 3 (LCA3). Also called: SPATA7-Related Retinitis Pigmentosa. Identifiers: MedGen C1858677, MONDO:0011415, OMIM 604232.

Allele frequency attached by ClinVar (database versions not stated): TOPMed below 0.00001.
gnomAD v4.1: 3 of 1,613,606 alleles (0.00019%); highest among the groups gnomAD compares: East Asian, 0.0022%; no homozygotes.

Submissions (3):

Blueprint Genetics
Classification: Uncertain significance. Last evaluated: 2024-09-23. Review status: criteria provided, single submitter. Criteria: ACMG Guidelines, 2015. Collection method: clinical testing. Allele origin: germline.

Labcorp Genetics (formerly Invitae), Labcorp
Classification: Uncertain significance for Leber congenital amaurosis 3. Last evaluated: 2024-01-17. Review status: criteria provided, single submitter. Criteria: Invitae Variant Classification Sherloc (09022015). Collection method: clinical testing. Allele origin: germline.
Comment: This sequence change replaces proline, which is neutral and non-polar, with alanine, which is neutral and non-polar, at codon 19 of the SPATA7 protein (p.Pro19Ala). This variant is not present in population databases (gnomAD no frequency). This variant has not been reported in the literature in individuals affected with SPATA7-related conditions. ClinVar contains an entry for this variant (Variation ID: 1343691). Advanced modeling of protein sequence and biophysical properties (such as structural, functional, and spatial information, amino acid conservation, physicochemical variation, residue mobility, and thermodynamic stability) performed at Invitae indicates that this missense variant is not expected to disrupt SPATA7 protein function with a negative predictive value of 80%. In summary, the available evidence is currently insufficient to determine the role of this variant in disease. Therefore, it has been classified as a Variant of Uncertain Significance.

Women's Health and Genetics/Laboratory Corporation of America, LabCorp
Classification: Uncertain significance. Last evaluated: 2022-02-18. Review status: criteria provided, single submitter. Criteria: LabCorp Variant Classification Summary - May 2015. Collection method: clinical testing. Allele origin: germline.

NM_018418.5(SPATA7):c.55C>G (p.Pro19Ala)

Gene: SPATA7 (spermatogenesis associated 7; plus strand). Cytogenetic location: 14q31.3.
Variant type: single nucleotide variant.
Coding change: c.55C>G on transcript NM_018418.5 (MANE Select); coding-DNA position 55, C replaced by G.
Protein change: p.Pro19Ala; replaces proline 19 with alanine.
Molecular consequence: missense variant.
Genome position (GRCh38, 1-based): chr14:88,391,416, C>G. VCF-style: chr14-88391416-C-G. GRCh37 (hg19) VCF-style: chr14-88857760-C-G.
Other names: c.55C>G, p.Pro19Ala (NM_001040428.4); short protein forms P19A.
Identifiers: ClinVar variation 1343691 (VCV001343691.9), dbSNP rs2075741859, ClinGen allele CA390545154.